The following is an entry in ClinVar:

NM_013254.4(TBK1):c.1720+2dup

Gene: TBK1 (TANK binding kinase 1; plus strand). Cytogenetic location: 12q14.2.
Variant type: Duplication.
Coding change: c.1720+2dup on transcript NM_013254.4 (MANE Select); the canonical splice donor site of the intron after coding-DNA position 1720, one base duplicated (T; older notation c.1720+2dupT).
Molecular consequence: splice donor variant.
Genome position (GRCh38, 1-based): chr12:64,495,777, T duplicated. VCF-style (leftmost placement, unchanged base first): chr12-64495776-G-GT. GRCh37 (hg19) VCF-style: chr12-64889556-G-GT.
Identifiers: ClinVar variation 1506043 (VCV001506043.6), dbSNP rs2136087264, ClinGen allele CA2573148972.

ClinVar aggregate classification (germline): Uncertain significance (1 of 4 stars; one submission).

Conditions:
Frontotemporal dementia and/or amyotrophic lateral sclerosis 4. Also called: FTDALS4. Identifiers: Orphanet 275872, MedGen C4225325, MONDO:0014641, OMIM 616439.

Submission:

Labcorp Genetics (formerly Invitae), Labcorp
Classification: Uncertain significance for Frontotemporal dementia and/or amyotrophic lateral sclerosis 4. Last evaluated: 2021-07-17. Review status: criteria provided, single submitter. Criteria: Invitae Variant Classification Sherloc (09022015). Collection method: clinical testing. Allele origin: germline.
Comment: This variant is not present in population databases (ExAC no frequency). In summary, the available evidence is currently insufficient to determine the role of this variant in disease. Therefore, it has been classified as a Variant of Uncertain Significance. Nucleotide substitutions within the consensus splice site are a relatively common cause of aberrant splicing (PMID: 17576681, 9536098). Algorithms developed to predict the effect of sequence changes on RNA splicing suggest that this variant may disrupt the consensus splice site. This variant has been observed in individual(s) with clinical features of frontotemporal dementia (Invitae). This sequence change falls in intron 15 of the TBK1 gene. It does not directly change the encoded amino acid sequence of the TBK1 protein. It affects a nucleotide within the consensus splice site of the intron.

Literature cited by the submitters: PubMed 17576681; PubMed 9536098.